The following is an entry in ClinVar:

NM_001105206.3(LAMA4):c.4159G>T (p.Asp1387Tyr)

Gene: LAMA4 (laminin subunit alpha 4; minus strand). Cytogenetic location: 6q21.
Variant type: single nucleotide variant.
Coding change: c.4159G>T on transcript NM_001105206.3 (MANE Select); coding-DNA position 4159, G replaced by T.
Protein change: p.Asp1387Tyr; replaces aspartic acid 1387 with tyrosine.
Molecular consequence: missense variant.
Genome position (GRCh38, 1-based): chr6:112,129,050, C>A on the plus strand (G>T on the coding strand, the complement: LAMA4 is on the minus strand). VCF-style: chr6-112129050-C-A. GRCh37 (hg19) VCF-style: chr6-112450252-C-A.
Other names: c.4138G>T, p.Asp1380Tyr (NM_001105207.3, NM_002290.5); short protein forms D1380Y, D1387Y.
Identifiers: ClinVar variation 3681835 (VCV003681835.2).

ClinVar aggregate classification (germline): Uncertain significance (1 of 4 stars; one submission).

Conditions:
Dilated cardiomyopathy 1JJ (CMD1JJ). Identifiers: Orphanet 154, MedGen C3808935, MONDO:0014095, OMIM 615235.

gnomAD v4.1: 1 of 1,612,636 alleles (0.000062%); highest among the groups gnomAD compares: East Asian, 0.0022%; no homozygotes.

Submission:

Labcorp Genetics (formerly Invitae), Labcorp
Classification: Uncertain significance for Dilated cardiomyopathy 1JJ. Last evaluated: 2024-05-26. Review status: criteria provided, single submitter. Criteria: Invitae Variant Classification Sherloc (09022015). Collection method: clinical testing. Allele origin: germline.
Comment: This sequence change replaces aspartic acid, which is acidic and polar, with tyrosine, which is neutral and polar, at codon 1380 of the LAMA4 protein (p.Asp1380Tyr). This variant is not present in population databases (gnomAD no frequency). This variant has not been reported in the literature in individuals affected with LAMA4-related conditions. An algorithm developed to predict the effect of missense changes on protein structure and function (PolyPhen-2) suggests that this variant is likely to be disruptive. In summary, the available evidence is currently insufficient to determine the role of this variant in disease. Therefore, it has been classified as a Variant of Uncertain Significance.